The following is an entry in ClinVar:

ClinVar aggregate classification (germline): Uncertain significance. Review status: criteria provided, multiple submitters, no conflicts (2 of 4 stars). 2 submissions from 2 submitters: Uncertain significance (2). Last evaluated 2026-04-16.

Conditions:
Erythrocytosis, familial, 3 (ECYT3). Identifiers: Orphanet 247511, MedGen C1853286, MONDO:0012353, OMIM 609820.

Allele frequency attached by ClinVar (database versions not stated): gnomAD 0.00002; gnomAD exomes 0.00002; TOPMed 0.00003.

Submissions (2):

Ambry Genetics
Classification: Uncertain significance. Last evaluated: 2026-04-16. Review status: criteria provided, single submitter. Criteria: Ambry Variant Classification Scheme 2023. Collection method: clinical testing. Allele origin: germline.
Comment: The c.230C>T (p.P77L) alteration is located in exon 1 (coding exon 1) of the EGLN1 gene. This alteration results from a C to T substitution at nucleotide position 230, causing the proline (P) at amino acid position 77 to be replaced by a leucine (L). Based on data from gnomAD, the T allele has an overall frequency of 0.004% (4/112738) total alleles studied. The highest observed frequency was 0.007% (3/44782) of European (non-Finnish) alleles. Based on insufficient or conflicting evidence, the clinical significance of this alteration remains unclear.

Labcorp Genetics (formerly Invitae), Labcorp
Classification: Uncertain significance for Erythrocytosis, familial, 3. Last evaluated: 2025-05-30. Review status: criteria provided, single submitter. Criteria: Invitae Variant Classification Sherloc (09022015). Collection method: clinical testing. Allele origin: germline.
Comment: This sequence change replaces proline, which is neutral and non-polar, with leucine, which is neutral and non-polar, at codon 77 of the EGLN1 protein (p.Pro77Leu). This variant is present in population databases (no rsID available, gnomAD 0.007%). This missense change has been observed in individual(s) with erythrocytosis (PMID: 37317877). ClinVar contains an entry for this variant (Variation ID: 2457109). An algorithm developed to predict the effect of missense changes on protein structure and function (PolyPhen-2) suggests that this variant is likely to be disruptive. In summary, the available evidence is currently insufficient to determine the role of this variant in disease. Therefore, it has been classified as a Variant of Uncertain Significance.

Literature cited by the submitters: PubMed 37317877 (cited by Labcorp Genetics (formerly Invitae), Labcorp).

NM_022051.3(EGLN1):c.230C>T (p.Pro77Leu)

Gene: EGLN1 (egl-9 family hypoxia inducible factor 1; minus strand). Cytogenetic location: 1q42.2.
Variant type: single nucleotide variant.
Coding change: c.230C>T on transcript NM_022051.3 (MANE Select); coding-DNA position 230, C replaced by T.
Protein change: p.Pro77Leu; replaces proline 77 with leucine.
Molecular consequence: missense variant.
Genome position (GRCh38, 1-based): chr1:231,421,659, G>A on the plus strand (C>T on the coding strand, the complement: EGLN1 is on the minus strand). VCF-style: chr1-231421659-G-A. GRCh37 (hg19) VCF-style: chr1-231557405-G-A.
Other names: c.230C>T, p.Pro77Leu (NM_001377260.1, NM_001377261.1); short protein forms P77L.
Identifiers: ClinVar variation 2457109 (VCV002457109.7), dbSNP rs1018204313, ClinGen allele CA38948975.